The following is an entry in ClinVar:

ClinVar aggregate classification (germline): Uncertain significance (1 of 4 stars; one submission).

gnomAD v4.1: 1 of 1,614,234 alleles (0.000062%); highest among the groups gnomAD compares: Non-Finnish European, 0.000085%; no homozygotes.

Submission:

Labcorp Genetics (formerly Invitae), Labcorp
Classification: Uncertain significance. Last evaluated: 2024-10-29. Review status: criteria provided, single submitter. Criteria: Invitae Variant Classification Sherloc (09022015). Collection method: clinical testing. Allele origin: germline.
Comment: This sequence change replaces isoleucine, which is neutral and non-polar, with valine, which is neutral and non-polar, at codon 1389 of the COL2A1 protein (p.Ile1389Val). This variant is not present in population databases (gnomAD no frequency). This variant has not been reported in the literature in individuals affected with COL2A1-related conditions. Invitae Evidence Modeling of protein sequence and biophysical properties (such as structural, functional, and spatial information, amino acid conservation, physicochemical variation, residue mobility, and thermodynamic stability) indicates that this missense variant is not expected to disrupt COL2A1 protein function with a negative predictive value of 95%. In summary, the available evidence is currently insufficient to determine the role of this variant in disease. Therefore, it has been classified as a Variant of Uncertain Significance.

NM_001844.5(COL2A1):c.4165A>G (p.Ile1389Val)

Gene: COL2A1 (collagen type II alpha 1 chain; minus strand). Cytogenetic location: 12q13.11.
Variant type: single nucleotide variant.
Coding change: c.4165A>G on transcript NM_001844.5 (MANE Select); coding-DNA position 4165, A replaced by G.
Protein change: p.Ile1389Val; replaces isoleucine 1389 with valine.
Molecular consequence: missense variant.
Genome position (GRCh38, 1-based): chr12:47,974,241, T>C on the plus strand (A>G on the coding strand, the complement: COL2A1 is on the minus strand). VCF-style: chr12-47974241-T-C. GRCh37 (hg19) VCF-style: chr12-48368024-T-C.
Other names: c.3958A>G, p.Ile1320Val (NM_033150.3); short protein forms I1320V, I1389V.
Identifiers: ClinVar variation 3651575 (VCV003651575.2).
Genomic context (GRCh38, chr12:47,974,241, plus strand): 5'-TCTTGAGGTTGCCAGCTGCTTCGTCCAGATAGGCAATGCTGTTCTTGCAGTGGTAGGTGA[T>C]GTTCTGGGAGCCTTCCGTGGACAGCAGGCGTAGGAAGGTCATCTGGACGTTGGCAGTGTT-3'
Protein context (NP_001835.3, residues 1379-1399): RLLSTEGSQN[Ile1389Val]TYHCKNSIAY